The following is an entry in ClinVar:

NM_000037.4(ANK1):c.3226A>G (p.Ile1076Val)

Gene: ANK1 (ankyrin 1; minus strand). Cytogenetic location: 8p11.21.
Variant type: single nucleotide variant.
Coding change: c.3226A>G on transcript NM_000037.4 (MANE Select); coding-DNA position 3226, A replaced by G.
Protein change: p.Ile1076Val; replaces isoleucine 1076 with valine.
Molecular consequence: missense variant.
Genome position (GRCh38, 1-based): chr8:41,694,693, T>C on the plus strand (A>G on the coding strand, the complement: ANK1 is on the minus strand). VCF-style: chr8-41694693-T-C. GRCh37 (hg19) VCF-style: chr8-41552211-T-C.
Other names: c.3226A>G (NM_000037.3); c.3349A>G, p.Ile1117Val (NM_001142446.2); c.3226A>G, p.Ile1076Val (NM_020475.3, NM_020476.3, NM_020477.3); short protein forms I1117V, I1076V.
Identifiers: ClinVar variation 3717617 (VCV003717617.4).
Genomic context (GRCh38, chr8:41,694,693, plus strand): 5'-GGAACGTTGCCTGTACCAGGGGCACCAGCTTGCTCTTCAGGGAGCCCCCTTCGGGACCGA[T>C]GGTGTCGTAGTCCTGGCAGAGCCGTGACATGATCACGAAGTACAGCGGGAAGTCGGTGGT-3'
Protein context (NP_000028.3, residues 1066-1086): MSRLCQDYDT[Ile1076Val]GPEGGSLKSK

ClinVar aggregate classification (germline): Uncertain significance. Review status: criteria provided, multiple submitters, no conflicts (2 of 4 stars). 3 submissions from 3 submitters: Uncertain significance (3). Last evaluated 2025-01-26.

Conditions:
Hereditary spherocytosis type 1. Also called: Spherocytosis type 1; ANK1-Related Spherocytosis. Identifiers: Orphanet 822, MedGen C2674218, MONDO:0008447, OMIM 182900.
Inborn genetic diseases. Identifiers: MedGen C0950123, MeSH D030342.

gnomAD v4.1: 201 of 1,613,984 alleles (0.012%); highest among the groups gnomAD compares: Non-Finnish European, 0.015%; 3 homozygotes.

Submissions (3):

Ambry Genetics
Classification: Uncertain significance for Inborn genetic diseases. Last evaluated: 2025-01-26. Review status: criteria provided, single submitter. Criteria: Ambry Variant Classification Scheme 2023. Collection method: clinical testing. Allele origin: germline.

Labcorp Genetics (formerly Invitae), Labcorp
Classification: Uncertain significance. Last evaluated: 2024-07-02. Review status: criteria provided, single submitter. Criteria: Invitae Variant Classification Sherloc (09022015). Collection method: clinical testing. Allele origin: germline.
Comment: This sequence change replaces isoleucine, which is neutral and non-polar, with valine, which is neutral and non-polar, at codon 1076 of the ANK1 protein (p.Ile1076Val). This variant is present in population databases (rs151275188, gnomAD 0.009%). This variant has not been reported in the literature in individuals affected with ANK1-related conditions. Advanced modeling of protein sequence and biophysical properties (such as structural, functional, and spatial information, amino acid conservation, physicochemical variation, residue mobility, and thermodynamic stability) performed at Invitae indicates that this missense variant is not expected to disrupt ANK1 protein function with a negative predictive value of 80%. In summary, the available evidence is currently insufficient to determine the role of this variant in disease. Therefore, it has been classified as a Variant of Uncertain Significance.

Revvity Omics, Revvity
Classification: Uncertain significance for Hereditary spherocytosis type 1. Last evaluated: 2024-02-08. Review status: criteria provided, single submitter. Criteria: ACMG Guidelines, 2015. Collection method: clinical testing. Allele origin: germline.